The following is an entry in ClinVar:

NM_005560.6(LAMA5):c.2981_2994dup (p.Arg999fs)

Gene: LAMA5 (laminin subunit alpha 5; minus strand). Cytogenetic location: 20q13.33.
Variant type: Duplication.
Coding change: c.2981_2994dup on transcript NM_005560.6 (MANE Select); coding-DNA positions 2981 to 2994, 14 bases duplicated (GCACCTGGGCCCTG).
Protein change: p.Arg999fs; shifts the reading frame from arginine 999.
Molecular consequence: frameshift variant.
Genome position (GRCh38, 1-based): chr20:62,333,591-62,333,604, CAGGGCCCAGGTGC duplicated on the plus strand (GCACCTGGGCCCTG on the coding strand, the reverse complement: LAMA5 is on the minus strand); duplicating any 14 consecutive bases within chr20:62,333,591-62,333,609 gives the same sequence; the c. name uses the placement nearest the transcript's 3' end. VCF-style (leftmost placement, unchanged base first): chr20-62333590-G-GCAGGGCCCAGGTGC. GRCh37 (hg19) VCF-style: chr20-60908646-G-GCAGGGCCCAGGTGC.
Other names: short protein forms R999fs.
Identifiers: ClinVar variation 3355836 (VCV003355836.1).

ClinVar aggregate classification (germline): Uncertain significance (0 of 4 stars; one submission).

Conditions:
LAMA5-related disorder. Also called: LAMA5-related condition; LAMA5-Related Disorders.

Submission:

PreventionGenetics, part of Exact Sciences
Classification: Uncertain significance for LAMA5-related condition. Last evaluated: 2024-04-03. Review status: no assertion criteria provided. Collection method: clinical testing. Allele origin: germline.
Comment: The LAMA5 c.2981_2994dup14 variant is predicted to result in a frameshift and premature protein termination (p.Arg999Alafs*34). To our knowledge, this variant has not been reported in the literature or in a large population database, indicating this variant is rare. Loss of function is not an established mechanism for LAMA5-related disease. At this time, the clinical significance of this variant is uncertain due to the absence of conclusive functional and genetic evidence.